The following is an entry in ClinVar:

ClinVar aggregate classification (germline): Pathogenic/Likely pathogenic. Review status: criteria provided, multiple submitters, no conflicts (2 of 4 stars). 4 submissions from 4 submitters: Pathogenic (2); Likely pathogenic (1). 1 of the submissions does not count toward it. Last evaluated 2023-10-05.

Conditions:
Usher syndrome type 1 (USH1). Also called: RETINITIS PIGMENTOSA AND CONGENITAL DEAFNESS. Identifiers: Orphanet 231169, Orphanet 886, MedGen C1568247, MONDO:0010168, OMIM 276900.
Autosomal dominant nonsyndromic hearing loss 11. Identifiers: Orphanet 90635, MedGen C1832475, MONDO:0011032, OMIM 601317.
Autosomal recessive nonsyndromic hearing loss 2. Also called: DEAFNESS, AUTOSOMAL RECESSIVE 2; NEUROSENSORY NONSYNDROMIC RECESSIVE DEAFNESS 2. Identifiers: Orphanet 90636, MedGen C1838701, MONDO:0010807, OMIM 600060.

Allele frequency attached by ClinVar (database versions not stated): gnomAD exomes below 0.00001; ExAC 0.00001; gnomAD 0.00001; 1000 Genomes Project 0.00020; 1000 Genomes Project 30x 0.00031.
gnomAD v4.1: 2 of 1,613,798 alleles (0.00012%); highest among the groups gnomAD compares: Admixed American, 0.0017%; no homozygotes.

Submissions (4):

Labcorp Genetics (formerly Invitae), Labcorp
Classification: Likely pathogenic. Last evaluated: 2023-10-05. Review status: criteria provided, single submitter. Criteria: Invitae Variant Classification Sherloc (09022015). Collection method: clinical testing. Allele origin: germline.
Comment: This sequence change affects an acceptor splice site in intron 5 of the MYO7A gene. It is expected to disrupt RNA splicing. Variants that disrupt the donor or acceptor splice site typically lead to a loss of protein function (PMID: 16199547), and loss-of-function variants in MYO7A are known to be pathogenic (PMID: 8900236, 25404053). This variant is present in population databases (rs548172627, gnomAD 0.003%). Disruption of this splice site has been observed in individual(s) with Usher syndrome type 1 (PMID: 18181211). ClinVar contains an entry for this variant (Variation ID: 557808). Algorithms developed to predict the effect of sequence changes on RNA splicing suggest that this variant may disrupt the consensus splice site. In summary, the currently available evidence indicates that the variant is pathogenic, but additional data are needed to prove that conclusively. Therefore, this variant has been classified as Likely Pathogenic.

Genomics, Clalit Research Institute, Clalit Health Care
Classification: Pathogenic for Usher syndrome type 1. Review status: criteria provided, single submitter. Criteria: ACMG Guidelines, 2015. Collection method: clinical testing. Allele origin: germline. Inheritance: Autosomal recessive inheritance. Affected: yes. Observed: 1 homozygote.
Comment: Inheritance: The variant was identified in the Homozygous state in the sample (pm3_support. Frequency: The variant is rare, observed in 1 alleles out of 249,202 (0%) in the gnomAD reference population dataset. Frequency among cases: This variant has been observed in individuals with Usher syndrome type 1 (PMID: 18181211,PMID:25404053, etc.) (ps4). Variant type: Canonical splice site variant in a gene where loss of function is a known mechanism of disease (pvs1_strong) Clinical evidence: This variant has previously been described in ClinVar (VCV557808) with the following classifications: LP (2). Gene coverage: 100% of the MYO7A target region is covered with at least 10x.

Juno Genomics, Hangzhou Juno Genomics, Inc
Classification: Pathogenic for Autosomal dominant nonsyndromic hearing loss 11; Autosomal recessive nonsyndromic hearing loss 2; Usher syndrome type 1. Review status: criteria provided, single submitter. Criteria: ACMG Guidelines, 2015. Collection method: clinical testing. Allele origin: germline. Affected: yes.
Comment: Null variant in a gene where loss of function (LOF) is a known mechanism of disease.;Absent from controls (or at extremely low frequency if recessive) in Genome Aggregation Database, Exome Sequencing Project, 1000 Genomes Project, or Exome Aggregation Consortium.;For recessive disorders, detected in trans with a pathogenic variant.

Counsyl
Classification: Likely pathogenic for Usher syndrome type 1; Autosomal recessive nonsyndromic hearing loss 2. Last evaluated: 2018-04-06. Review status: no assertion criteria provided. Collection method: clinical testing. Allele origin: unknown. Not counted in ClinVar's aggregate classification.

Literature cited by the submitters: PubMed 16199547 (cited by Labcorp Genetics (formerly Invitae), Labcorp); PubMed 8900236 (cited by Labcorp Genetics (formerly Invitae), Labcorp); PubMed 25404053 (cited by Labcorp Genetics (formerly Invitae), Labcorp and Genomics, Clalit Research Institute, Clalit Health Care); PubMed 18181211 (cited by Labcorp Genetics (formerly Invitae), Labcorp and Counsyl).

NM_000260.4(MYO7A):c.471-1G>A

Gene: MYO7A (myosin VIIA; plus strand). Cytogenetic location: 11q13.5.
Variant type: single nucleotide variant.
Coding change: c.471-1G>A on transcript NM_000260.4 (MANE Select); the canonical splice acceptor site of the intron before coding-DNA position 471, G replaced by A.
Molecular consequence: splice acceptor variant.
Genome position (GRCh38, 1-based): chr11:77,156,659, G>A. VCF-style: chr11-77156659-G-A. GRCh37 (hg19) VCF-style: chr11-76867705-G-A.
Other names: c.438-1G>A (NM_001369365.1); c.471-1G>A (NM_001127180.2).
Identifiers: ClinVar variation 557808 (VCV000557808.12), dbSNP rs548172627, ClinGen allele CA6197153.